The following is an entry in ClinVar:

NM_013352.4(DSE):c.2461G>A (p.Ala821Thr)

Gene: DSE (dermatan sulfate epimerase; plus strand). Cytogenetic location: 6q22.1.
Variant type: single nucleotide variant.
Coding change: c.2461G>A on transcript NM_013352.4 (MANE Select); coding-DNA position 2461, G replaced by A.
Protein change: p.Ala821Thr; replaces alanine 821 with threonine.
Molecular consequence: missense variant. On other transcripts: 3 prime UTR variant (2), non-coding transcript variant (1).
Genome position (GRCh38, 1-based): chr6:116,436,929, G>A. VCF-style: chr6-116436929-G-A. GRCh37 (hg19) VCF-style: chr6-116758092-G-A.
Other names: c.2461G>A, p.Ala821Thr (NM_001080976.3, NM_001322937.2, NM_001322938.2); c.2518G>A, p.Ala840Thr (NM_001322939.2); c.1900G>A, p.Ala634Thr (NM_001322940.2, NM_001322941.2); c.*1326G>A (NM_001322943.2, NM_001322944.2); c.1462G>A, p.Ala488Thr (NM_001374520.1); c.1426G>A, p.Ala476Thr (NM_001374521.1); short protein forms A476T, A488T, A634T, A821T, A840T.
Identifiers: ClinVar variation 3907390 (VCV003907390.1).

ClinVar aggregate classification (germline): Uncertain significance (1 of 4 stars; one submission).

gnomAD v4.1: 22 of 1,613,954 alleles (0.0014%); highest among the groups gnomAD compares: East Asian, 0.049%; no homozygotes.

Submission:

Women's Health and Genetics/Laboratory Corporation of America, LabCorp
Classification: Uncertain significance. Last evaluated: 2025-06-04. Review status: criteria provided, single submitter. Criteria: LabCorp Variant Classification Summary - May 2015. Collection method: clinical testing. Allele origin: germline.
Comment: Variant summary: DSE c.2461G>A (p.Ala821Thr) results in a non-conservative amino acid change in the encoded protein sequence. Algorithms developed to predict the effect of missense changes on protein structure and function are either unavailable or do not agree on the potential impact of this missense change. The variant allele was found at a frequency of 4e-05 in 250946 control chromosomes. This frequency is not significantly higher than estimated for a pathogenic variant in DSE causing Ehlers-Danlos syndrome, musculocontractural type 2 (4e-05 vs 0.0011), allowing no conclusion about variant significance. To our knowledge, no occurrence of c.2461G>A in individuals affected with Ehlers-Danlos syndrome, musculocontractural type 2 and no experimental evidence demonstrating its impact on protein function have been reported. No submitters have cited clinical-significance assessments for this variant to ClinVar. Based on the evidence outlined above, the variant was classified as uncertain significance.